The following is an entry in ClinVar:

ClinVar aggregate classification (germline): Uncertain significance (1 of 4 stars; one submission).

Allele frequency attached by ClinVar (database versions not stated): 1000 Genomes Project 30x 0.00016; 1000 Genomes Project 0.00020.
gnomAD v4.1: 4 of 1,614,250 alleles (0.00025%); highest among the groups gnomAD compares: Non-Finnish European, 0.00025%; no homozygotes.

Submission:

Labcorp Genetics (formerly Invitae), Labcorp
Classification: Uncertain significance. Last evaluated: 2022-06-13. Review status: criteria provided, single submitter. Criteria: Invitae Variant Classification Sherloc (09022015). Collection method: clinical testing. Allele origin: germline.
Comment: In summary, the available evidence is currently insufficient to determine the role of this variant in disease. Therefore, it has been classified as a Variant of Uncertain Significance. Algorithms developed to predict the effect of missense changes on protein structure and function are either unavailable or do not agree on the potential impact of this missense change (SIFT: "Deleterious"; PolyPhen-2: "Probably Damaging"; Align-GVGD: "Class C0"). This variant has not been reported in the literature in individuals affected with TRPM1-related conditions. This variant is present in population databases (rs188790896, gnomAD 0.0009%). This sequence change replaces isoleucine, which is neutral and non-polar, with leucine, which is neutral and non-polar, at codon 386 of the TRPM1 protein (p.Ile386Leu).

NM_001252024.2(TRPM1):c.1222A>T (p.Ile408Leu)

Gene: TRPM1 (transient receptor potential cation channel subfamily M member 1; minus strand). Cytogenetic location: 15q13.3.
Variant type: single nucleotide variant.
Coding change: c.1222A>T on transcript NM_001252024.2 (MANE Select); coding-DNA position 1222, A replaced by T.
Protein change: p.Ile408Leu; replaces isoleucine 408 with leucine.
Molecular consequence: missense variant.
Genome position (GRCh38, 1-based): chr15:31,060,585, T>A on the plus strand (A>T on the coding strand, the complement: TRPM1 is on the minus strand). VCF-style: chr15-31060585-T-A. GRCh37 (hg19) VCF-style: chr15-31352788-T-A.
Other names: c.1273A>T, p.Ile425Leu (NM_001252020.2); c.1156A>T, p.Ile386Leu (NM_002420.6); short protein forms I408L, I386L, I425L.
Identifiers: ClinVar variation 1488626 (VCV001488626.8), dbSNP rs188790896, ClinGen allele CA7452645.